The following is an entry in ClinVar:

NM_001128840.3(CACNA1D):c.2839A>G (p.Lys947Glu)

Gene: CACNA1D (calcium voltage-gated channel subunit alpha1 D; plus strand). Cytogenetic location: 3p21.1.
Variant type: single nucleotide variant.
Coding change: c.2839A>G on transcript NM_001128840.3 (MANE Select); coding-DNA position 2839, A replaced by G.
Protein change: p.Lys947Glu; replaces lysine 947 with glutamic acid.
Molecular consequence: missense variant.
Genome position (GRCh38, 1-based): chr3:53,743,038, A>G. VCF-style: chr3-53743038-A-G. GRCh37 (hg19) VCF-style: chr3-53777065-A-G.
Other names: c.2899A>G, p.Lys967Glu (NM_000720.4); c.2839A>G, p.Lys947Glu (NM_001128839.3); short protein forms K947E, K967E.
Identifiers: ClinVar variation 1362945 (VCV001362945.6), dbSNP rs2108827725, ClinGen allele CA353245173.

ClinVar aggregate classification (germline): Uncertain significance (1 of 4 stars; one submission).

Submission:

Labcorp Genetics (formerly Invitae), Labcorp
Classification: Uncertain significance. Last evaluated: 2024-10-28. Review status: criteria provided, single submitter. Criteria: Invitae Variant Classification Sherloc (09022015). Collection method: clinical testing. Allele origin: germline.
Comment: This sequence change replaces lysine, which is basic and polar, with glutamic acid, which is acidic and polar, at codon 967 of the CACNA1D protein (p.Lys967Glu). This variant is not present in population databases (gnomAD no frequency). This variant has not been reported in the literature in individuals affected with CACNA1D-related conditions. ClinVar contains an entry for this variant (Variation ID: 1362945). Invitae Evidence Modeling of protein sequence and biophysical properties (such as structural, functional, and spatial information, amino acid conservation, physicochemical variation, residue mobility, and thermodynamic stability) indicates that this missense variant is not expected to disrupt CACNA1D protein function with a negative predictive value of 80%. In summary, the available evidence is currently insufficient to determine the role of this variant in disease. Therefore, it has been classified as a Variant of Uncertain Significance.